The following is an entry in ClinVar:

NM_006231.4(POLE):c.1707C>T (p.Phe569=)

Gene: POLE (DNA polymerase epsilon, catalytic subunit; minus strand). Cytogenetic location: 12q24.33.
Variant type: single nucleotide variant.
Coding change: c.1707C>T on transcript NM_006231.4 (MANE Select); coding-DNA position 1707, C replaced by T.
Protein change: p.Phe569=; no amino-acid change (phenylalanine 569 retained).
Molecular consequence: synonymous variant.
Genome position (GRCh38, 1-based): chr12:132,672,302, G>A on the plus strand (C>T on the coding strand, the complement: POLE is on the minus strand). VCF-style: chr12-132672302-G-A. GRCh37 (hg19) VCF-style: chr12-133248888-G-A.
Identifiers: ClinVar variation 240402 (VCV000240402.16), dbSNP rs147438050, ClinGen allele CA6893852.

ClinVar aggregate classification (germline): Likely benign. Review status: criteria provided, multiple submitters, no conflicts (2 of 4 stars). 4 submissions from 4 submitters: Likely benign (4). Last evaluated 2026-01-13.

Conditions:
Hereditary cancer-predisposing syndrome. Also called: Tumor predisposition; Neoplastic Syndromes, Hereditary; Hereditary Cancer Syndrome; Hereditary neoplastic syndrome. Identifiers: Orphanet 140162, MedGen C0027672, MeSH D009386, MONDO:0015356.

Allele frequency attached by ClinVar (database versions not stated): ExAC 0.00001; TOPMed 0.00002; gnomAD 0.00006; ESP Exome Variant Server 0.00008.
gnomAD v4.1: 10 of 1,614,050 alleles (0.00062%); highest among the groups gnomAD compares: African/African-American, 0.0013%; no homozygotes.

Submissions (4):

Labcorp Genetics (formerly Invitae), Labcorp
Classification: Likely benign. Last evaluated: 2026-01-13. Review status: criteria provided, single submitter. Criteria: Invitae Variant Classification Sherloc (09022015). Collection method: clinical testing. Allele origin: germline.

GeneDx
Classification: Likely benign. Last evaluated: 2017-10-24. Review status: criteria provided, single submitter. Criteria: GeneDx Variant Classification (06012015). Collection method: clinical testing. Allele origin: germline. Affected: yes.
Comment: This variant is considered likely benign or benign based on one or more of the following criteria: it is a conservative change, it occurs at a poorly conserved position in the protein, it is predicted to be benign by multiple in silico algorithms, and/or has population frequency not consistent with disease.

PreventionGenetics, part of Exact Sciences
Classification: Likely benign. Last evaluated: 2017-05-30. Review status: criteria provided, single submitter. Criteria: ACMG Guidelines, 2015. Collection method: clinical testing. Allele origin: germline.

Ambry Genetics
Classification: Likely benign for Hereditary cancer-predisposing syndrome. Last evaluated: 2016-02-25. Review status: criteria provided, single submitter. Criteria: Ambry Variant Classification Scheme 2023. Collection method: clinical testing. Allele origin: germline.